The following is an entry in ClinVar:

ClinVar aggregate classification (germline): Likely benign (1 of 4 stars; one submission).

Submission:

GeneDx
Classification: Likely benign. Last evaluated: 2018-02-01. Review status: criteria provided, single submitter. Criteria: GeneDx Variant Classification (06012015). Collection method: clinical testing. Allele origin: germline. Affected: yes.
Comment: This variant is considered likely benign or benign based on one or more of the following criteria: it is a conservative change, it occurs at a poorly conserved position in the protein, it is predicted to be benign by multiple in silico algorithms, and/or has population frequency not consistent with disease.

NM_005120.3(MED12):c.4416-43_4416-14del

Gene: MED12 (mediator complex subunit 12; plus strand). Cytogenetic location: Xq13.1.
Variant type: Deletion.
Coding change: c.4416-43_4416-14del on transcript NM_005120.3 (MANE Select); 43 bases into the intron before coding-DNA position 4416 through 14 bases into the intron before coding-DNA position 4416, 30 bases deleted (TCTCTTCTCTTCTCTTCTCTTCTCTTCTTT).
Molecular consequence: intron variant.
Genome position (GRCh38, 1-based): chrX:71,132,802-71,132,831, TCTCTTCTCTTCTCTTCTCTTCTCTTCTTT deleted; deleting any 30 consecutive bases within chrX:71,132,801-71,132,831 gives the same sequence; the c. name uses the placement nearest the transcript's 3' end. VCF-style (leftmost placement, unchanged base first): chrX-71132800-CTTCTCTTCTCTTCTCTTCTCTTCTCTTCTT-C. GRCh37 (hg19) VCF-style: chrX-70352650-CTTCTCTTCTCTTCTCTTCTCTTCTCTTCTT-C.
Other names: c.4416-43_4416-14del30 (NM_005120.2).
Identifiers: ClinVar variation 516256 (VCV000516256.1), dbSNP rs1556337864, ClinGen allele CA658799789.